The following is an entry in ClinVar:

NM_001903.5(CTNNA1):c.151A>G (p.Lys51Glu)

Gene: CTNNA1 (catenin alpha 1; plus strand). Cytogenetic location: 5q31.2.
Variant type: single nucleotide variant.
Coding change: c.151A>G on transcript NM_001903.5 (MANE Select); coding-DNA position 151, A replaced by G.
Protein change: p.Lys51Glu; replaces lysine 51 with glutamic acid.
Molecular consequence: missense variant. On other transcripts: 5 prime UTR variant (1), intron variant (1).
Genome position (GRCh38, 1-based): chr5:138,783,222, A>G. VCF-style: chr5-138783222-A-G. GRCh37 (hg19) VCF-style: chr5-138118911-A-G.
Other names: c.151A>G, p.Lys51Glu (NM_001290307.3, NM_001323982.2, NM_001323983.1 and 3 more transcripts); c.-56A>G (NM_001290310.3); c.-9+1193A>G (NM_001290309.3); short protein forms K51E.
Identifiers: ClinVar variation 1774385 (VCV001774385.2), dbSNP rs2532178172, ClinGen allele CA361477357.

ClinVar aggregate classification (germline): Uncertain significance (1 of 4 stars; one submission).

Conditions:
Hereditary cancer-predisposing syndrome. Also called: Hereditary Cancer Syndrome; Hereditary neoplastic syndrome; Neoplastic Syndromes, Hereditary; Tumor predisposition. Identifiers: Orphanet 140162, MedGen C0027672, MeSH D009386, MONDO:0015356.

Submission:

Ambry Genetics
Classification: Uncertain significance for Hereditary cancer-predisposing syndrome. Last evaluated: 2022-08-16. Review status: criteria provided, single submitter. Criteria: Ambry Variant Classification Scheme 2023. Collection method: clinical testing. Allele origin: germline.
Comment: The p.K51E variant (also known as c.151A>G), located in coding exon 2 of the CTNNA1 gene, results from an A to G substitution at nucleotide position 151. The lysine at codon 51 is replaced by glutamic acid, an amino acid with similar properties. This amino acid position is conserved. In addition, the in silico prediction for this alteration is inconclusive. Since supporting evidence is limited at this time, the clinical significance of this alteration remains unclear.